The following is an entry in ClinVar:

NM_002240.5(KCNJ6):c.1128G>T (p.Arg376Ser)

Genes: KCNJ6 (potassium inwardly rectifying channel subfamily J member 6; minus strand), KCNJ6-AS1 (KCNJ6 antisense RNA 1; plus strand). Cytogenetic location: 21q22.13.
Variant type: single nucleotide variant.
Coding change: c.1128G>T on transcript NM_002240.5 (MANE Select); coding-DNA position 1128, G replaced by T.
Protein change: p.Arg376Ser; replaces arginine 376 with serine.
Molecular consequence: missense variant.
Genome position (GRCh38, 1-based): chr21:37,625,303, C>A on the plus strand (G>T on the coding strand, the complement: KCNJ6 is on the minus strand). VCF-style: chr21-37625303-C-A. GRCh37 (hg19) VCF-style: chr21-38997605-C-A.
Other names: short protein forms R376S.
Identifiers: ClinVar variation 1369639 (VCV001369639.8), dbSNP rs2123361419, ClinGen allele CA409967165.

ClinVar aggregate classification (germline): Uncertain significance (1 of 4 stars; one submission).

Submission:

Labcorp Genetics (formerly Invitae), Labcorp
Classification: Uncertain significance. Last evaluated: 2022-08-16. Review status: criteria provided, single submitter. Criteria: Invitae Variant Classification Sherloc (09022015). Collection method: clinical testing. Allele origin: germline.
Comment: This variant has not been reported in the literature in individuals affected with KCNJ6-related conditions. This variant is not present in population databases (gnomAD no frequency). This sequence change replaces arginine, which is basic and polar, with serine, which is neutral and polar, at codon 376 of the KCNJ6 protein (p.Arg376Ser). ClinVar contains an entry for this variant (Variation ID: 1369639). In summary, the available evidence is currently insufficient to determine the role of this variant in disease. Therefore, it has been classified as a Variant of Uncertain Significance. Algorithms developed to predict the effect of missense changes on protein structure and function are either unavailable or do not agree on the potential impact of this missense change (SIFT: "Deleterious"; PolyPhen-2: "Benign"; Align-GVGD: "Class C0").